The following is an entry in ClinVar:

ClinVar aggregate classification (germline): Uncertain significance (1 of 4 stars; one submission).

Conditions:
MED13L-related disorder. Also called: MED13L-related condition.

Submission:

PreventionGenetics, part of Exact Sciences
Classification: Uncertain significance for MED13L-related condition. Last evaluated: 2023-06-30. Review status: criteria provided, single submitter. Criteria: ACMG Guidelines, 2015. Collection method: clinical testing. Allele origin: germline.
Comment: The MED13L c.5215G>A variant is predicted to result in the amino acid substitution p.Glu1739Lys. To our knowledge, this variant has not been reported in the literature or in a large population database, indicating this variant is rare. At this time, the clinical significance of this variant is uncertain due to the absence of conclusive functional and genetic evidence.

NM_015335.5(MED13L):c.5215G>A (p.Glu1739Lys)

Gene: MED13L (mediator complex subunit 13L; minus strand). Cytogenetic location: 12q24.21.
Variant type: single nucleotide variant.
Coding change: c.5215G>A on transcript NM_015335.5 (MANE Select); coding-DNA position 5215, G replaced by A.
Protein change: p.Glu1739Lys; replaces glutamic acid 1739 with lysine.
Molecular consequence: missense variant.
Genome position (GRCh38, 1-based): chr12:115,980,899, C>T on the plus strand (G>A on the coding strand, the complement: MED13L is on the minus strand). VCF-style: chr12-115980899-C-T. GRCh37 (hg19) VCF-style: chr12-116418704-C-T.
Other names: short protein forms E1739K.
Identifiers: ClinVar variation 2632183 (VCV002632183.1), dbSNP rs2499816749, ClinGen allele CA386880657.